The following is an entry in ClinVar:

ClinVar aggregate classification (germline): Benign/Likely benign. Review status: criteria provided, multiple submitters, no conflicts (2 of 4 stars). 8 submissions from 8 submitters: Benign (3); Likely benign (1). 4 of the submissions do not count toward it. Last evaluated 2026-02-12.

Conditions:
Ichthyosis linearis circumflexa. Identifiers: MedGen C0265962, MONDO:0043106, HP:0025810.
Netherton syndrome (NETH). Also called: ERYTHRODERMA, ICHTHYOSIFORM, WITH HYPOTRICHOSIS AND HYPER-IgE; COMEL-NETHERTON SYNDROME; NETHERTON DISEASE. Identifiers: Orphanet 634, MedGen C5574950, MONDO:0009735, OMIM 256500.

Allele frequency attached by ClinVar (database versions not stated): gnomAD exomes 0.00126 and 0.00252; ExAC 0.00300; 1000 Genomes Project 0.00639; 1000 Genomes Project 30x 0.00703; ESP Exome Variant Server 0.00791; gnomAD 0.00795 and 0.00856; TOPMed 0.00849.
gnomAD v4.1: 3,089 of 1,613,724 alleles (0.19%); highest among the groups gnomAD compares: African/African-American, 2.3%; 31 homozygotes.

Submissions (8):

Women's Health and Genetics/Laboratory Corporation of America, LabCorp
Classification: Likely benign. Last evaluated: 2026-02-12. Review status: criteria provided, single submitter. Criteria: LabCorp Variant Classification Summary - May 2015. Collection method: clinical testing. Allele origin: germline.
Comment: Variant summary: SPINK5 c.2995A>G (p.Lys999Glu) results in a conservative amino acid change in the encoded protein sequence. Algorithms developed to predict the effect of missense changes on protein structure and function all suggest that this variant is likely to be tolerated. The variant allele was found at a frequency of 0.0025 in 249086 control chromosomes, predominantly at a frequency of 0.023 within the African or African-American subpopulation in the gnomAD database, including 5 homozygotes. The observed variant frequency within African or African-American control individuals in the gnomAD database exceeds the estimated maximal expected allele frequency for disease-causing variants in SPINK5. To our knowledge, no occurrence of c.2995A>G in individuals affected with SPINK5-related conditions and no experimental evidence demonstrating its impact on protein function have been reported. ClinVar contains an entry for this variant (Variation ID: 351540). Based on the evidence outlined above, the variant was classified as likely benign.

Labcorp Genetics (formerly Invitae), Labcorp
Classification: Benign for Ichthyosis linearis circumflexa. Last evaluated: 2026-02-01. Review status: criteria provided, single submitter. Criteria: Invitae Variant Classification Sherloc (09022015). Collection method: clinical testing. Allele origin: germline.

Illumina Laboratory Services, Illumina
Classification: Benign for Netherton syndrome. Last evaluated: 2018-01-13. Review status: criteria provided, single submitter. Criteria: ICSL Variant Classification Criteria 13 December 2019. Collection method: clinical testing. Allele origin: germline.
Comment: This variant was observed in the ICSL laboratory as part of a predisposition screen in an ostensibly healthy population. It had not been previously curated by ICSL or reported in the Human Gene Mutation Database (HGMD: prior to June 1st, 2018), and was therefore a candidate for classification through an automated scoring system. Utilizing variant allele frequency, disease prevalence and penetrance estimates, and inheritance mode, an automated score was calculated to assess if this variant is too frequent to cause the disease. Based on the score and internal cut-off values, a variant classified as benign is not then subjected to further curation. The score for this variant resulted in a classification of benign for this disease.

GeneDx
Classification: Benign. Last evaluated: 2015-03-03. Review status: criteria provided, single submitter. Criteria: GeneDx Variant Classification Process June 2021. Collection method: clinical testing. Allele origin: germline. Affected: yes.

Clinical Genetics DNA and cytogenetics Diagnostics Lab, Erasmus MC, Erasmus Medical Center
Classification: Benign. Review status: no assertion criteria provided. Collection method: clinical testing. Allele origin: germline. Affected: yes. Study: VKGL Data-share Consensus. Not counted in ClinVar's aggregate classification.

Diagnostic Laboratory, Department of Genetics, University Medical Center Groningen
Classification: Benign. Review status: no assertion criteria provided. Collection method: clinical testing. Allele origin: germline. Affected: yes. Study: VKGL Data-share Consensus. Not counted in ClinVar's aggregate classification.

Genome Diagnostics Laboratory, University Medical Center Utrecht
Classification: Likely benign. Review status: no assertion criteria provided. Collection method: clinical testing. Allele origin: germline. Affected: yes. Study: VKGL Data-share Consensus. Not counted in ClinVar's aggregate classification.

Laboratory of Diagnostic Genome Analysis, Leiden University Medical Center (LUMC)
Classification: Likely benign. Review status: no assertion criteria provided. Collection method: clinical testing. Allele origin: germline. Affected: yes. Study: VKGL Data-share Consensus. Not counted in ClinVar's aggregate classification.

NM_006846.4(SPINK5):c.2905A>G (p.Lys969Glu)

Gene: SPINK5 (serine peptidase inhibitor Kazal type 5; plus strand). Cytogenetic location: 5q32.
Variant type: single nucleotide variant.
Coding change: c.2905A>G on transcript NM_006846.4 (MANE Select); coding-DNA position 2905, A replaced by G.
Protein change: p.Lys969Glu; replaces lysine 969 with glutamic acid.
Molecular consequence: missense variant.
Genome position (GRCh38, 1-based): chr5:148,127,020, A>G. VCF-style: chr5-148127020-A-G. GRCh37 (hg19) VCF-style: chr5-147506583-A-G.
Other names: c.2995A>G, p.Lys999Glu (NM_001127698.2); short protein forms K969E, K999E.
Identifiers: ClinVar variation 351540 (VCV000351540.25), dbSNP rs3188691, ClinGen allele CA3496182.